The following is an entry in ClinVar:

NM_003906.5(MCM3AP):c.5116C>T (p.Leu1706Phe)

Genes: MCM3AP (minichromosome maintenance complex component 3 associated protein; minus strand), MCM3AP-AS1 (MCM3AP antisense RNA 1; plus strand). Cytogenetic location: 21q22.3.
Variant type: single nucleotide variant.
Coding change: c.5116C>T on transcript NM_003906.5 (MANE Select); coding-DNA position 5116, C replaced by T.
Protein change: p.Leu1706Phe; replaces leucine 1706 with phenylalanine.
Molecular consequence: missense variant.
Genome position (GRCh38, 1-based): chr21:46,243,645, G>A on the plus strand (C>T on the coding strand, the complement: MCM3AP is on the minus strand). VCF-style: chr21-46243645-G-A. GRCh37 (hg19) VCF-style: chr21-47663559-G-A.
Other names: NM_003906.5:c.5116C>T; short protein forms L1706F.
Identifiers: ClinVar variation 3061831 (VCV003061831.1), dbSNP rs1428816312, ClinGen allele CA410541997.

ClinVar aggregate classification (germline): Uncertain significance (1 of 4 stars; one submission).

Conditions:
Congenital fibrosis of extraocular muscles. Also called: Congenital Fibrosis of the Extraocular Muscles. Identifiers: Orphanet 45358, MedGen C1302995, MONDO:0007614, HP:0001491.

Allele frequency attached by ClinVar (database versions not stated): gnomAD exomes 0.00001.

Submission:

Broad Center for Mendelian Genomics, Broad Institute of MIT and Harvard
Classification: Uncertain significance for Congenital fibrosis of extraocular muscles. Last evaluated: 2024-03-13. Review status: criteria provided, single submitter. Criteria: ACMG Guidelines, 2015. Collection method: curation. Allele origin: germline. Inheritance: Autosomal recessive inheritance.
Comment: Trio genome analysis revealed that this variant was in trans with a variant of uncertain significance (ClinVar Variation ID: 1366532). The p.Leu1706Phe variant in MCM3AP has not been previously reported in individuals with autosomal recessive peripheral neuropathy with or without impaired intellectual development but has been identified in 0.0008% (1/125568) of chromosomes by TopMed Bravo. Although this variant has been seen in the general population in a heterozygous state, its frequency is low enough to be consistent with a recessive carrier frequency. Computational prediction tools, including splice predictors, and conservation analyses suggest that this variant may not impact the protein, though this information is not predictive enough to rule out pathogenicity. In summary, the clinical significance of the p.Leu1706Phe variant is uncertain. ACMG/AMP Criteria applied: PM2_Supporting, BP4 (Richards 2015).

Literature cited by the submitters: PubMed 39033378.